The following is an entry in ClinVar:

ClinVar aggregate classification (germline): Uncertain significance. Review status: criteria provided, multiple submitters, no conflicts (2 of 4 stars). 2 submissions from 2 submitters: Uncertain significance (2). Last evaluated 2026-08-27.

Conditions:
Inborn genetic diseases. Identifiers: MedGen C0950123, MeSH D030342.

Allele frequency attached by ClinVar (database versions not stated): gnomAD 0.00004 and 0.00005; ESP Exome Variant Server 0.00008; gnomAD exomes 0.00001 and 0.00002; ExAC 0.00001; TOPMed 0.00005.
gnomAD v4.1: 10 of 1,610,886 alleles (0.00062%); highest among the groups gnomAD compares: African/African-American, 0.013%; no homozygotes.

Submissions (2):

Ambry Genetics
Classification: Uncertain significance for Inborn genetic diseases. Last evaluated: 2026-08-27. Review status: criteria provided, single submitter. Criteria: Ambry Variant Classification Scheme 2023. Collection method: clinical testing. Allele origin: germline.

Labcorp Genetics (formerly Invitae), Labcorp
Classification: Uncertain significance. Last evaluated: 2022-07-05. Review status: criteria provided, single submitter. Criteria: Invitae Variant Classification Sherloc (09022015). Collection method: clinical testing. Allele origin: germline.
Comment: This sequence change replaces isoleucine, which is neutral and non-polar, with phenylalanine, which is neutral and non-polar, at codon 649 of the ABCA4 protein (p.Ile649Phe). This variant is present in population databases (rs374458630, gnomAD 0.03%). This variant has not been reported in the literature in individuals affected with ABCA4-related conditions. ClinVar contains an entry for this variant (Variation ID: 842302). Algorithms developed to predict the effect of missense changes on protein structure and function are either unavailable or do not agree on the potential impact of this missense change (SIFT: "Deleterious"; PolyPhen-2: "Possibly Damaging"; Align-GVGD: "Class C15"). In summary, the available evidence is currently insufficient to determine the role of this variant in disease. Therefore, it has been classified as a Variant of Uncertain Significance.

NM_000350.3(ABCA4):c.1945A>T (p.Ile649Phe)

Gene: ABCA4 (ATP binding cassette subfamily A member 4; minus strand). Cytogenetic location: 1p22.1.
Variant type: single nucleotide variant.
Coding change: c.1945A>T on transcript NM_000350.3 (MANE Select); coding-DNA position 1945, A replaced by T.
Protein change: p.Ile649Phe; replaces isoleucine 649 with phenylalanine.
Molecular consequence: missense variant.
Genome position (GRCh38, 1-based): chr1:94,060,752, T>A on the plus strand (A>T on the coding strand, the complement: ABCA4 is on the minus strand). VCF-style: chr1-94060752-T-A. GRCh37 (hg19) VCF-style: chr1-94526308-T-A.
Other names: c.1945A>T, p.Ile649Phe (NM_001425324.1); short protein forms I649F.
Identifiers: ClinVar variation 842302 (VCV000842302.6), dbSNP rs374458630, ClinGen allele CA958378.